The following is an entry in ClinVar:

ClinVar aggregate classification (germline): Pathogenic (1 of 4 stars; one submission).

Conditions:
Muscular dystrophy-dystroglycanopathy (congenital with brain and eye anomalies), type A2. Also called: MUSCULAR DYSTROPHY-DYSTROGLYCANOPATHY (CONGENITAL WITH BRAIN AND EYE ANOMALIES), TYPE A, 2; WALKER-WARBURG SYNDROME OR MUSCLE-EYE-BRAIN DISEASE, POMT2-RELATED. Identifiers: Orphanet 588, Orphanet 899, MedGen C3150411, MONDO:0013154, OMIM 613150.
Autosomal recessive limb-girdle muscular dystrophy type 2N. Also called: MUSCULAR DYSTROPHY-DYSTROGLYCANOPATHY, LIMB-GIRDLE, POMT2-RELATED; Muscular dystrophy-dystroglycanopathy (limb-girdle), type C, 2. Identifiers: Orphanet 206559, MedGen C3150418, MONDO:0013162, OMIM 613158.
Muscular dystrophy-dystroglycanopathy (congenital with impaired intellectual development), type B, 2. Also called: MUSCULAR DYSTROPHY, CONGENITAL, POMT2-RELATED; Muscular dystrophy-dystroglycanopathy (congenital with intellectual disability), type B2. Identifiers: MedGen C3150416, MONDO:0013160, OMIM 613156.

Submission:

Labcorp Genetics (formerly Invitae), Labcorp
Classification: Pathogenic for Muscular dystrophy-dystroglycanopathy (congenital with impaired intellectual development), type B, 2; Muscular dystrophy-dystroglycanopathy (congenital with brain and eye anomalies), type A2; Autosomal recessive limb-girdle muscular dystrophy type 2N. Last evaluated: 2021-10-20. Review status: criteria provided, single submitter. Criteria: Invitae Variant Classification Sherloc (09022015). Collection method: clinical testing. Allele origin: germline.
Comment: This sequence change creates a premature translational stop signal (p.Arg434Glyfs*11) in the POMT2 gene. It is expected to result in an absent or disrupted protein product. Loss-of-function variants in POMT2 are known to be pathogenic (PMID: 15894594). For these reasons, this variant has been classified as Pathogenic. This variant has not been reported in the literature in individuals affected with POMT2-related conditions. This variant is not present in population databases (ExAC no frequency).

Literature cited by the submitters: PubMed 15894594.

NM_013382.7(POMT2):c.1300del (p.Arg434fs)

Gene: POMT2 (protein O-mannosyltransferase 2; minus strand). Cytogenetic location: 14q24.3.
Variant type: Deletion.
Coding change: c.1300del on transcript NM_013382.7 (MANE Select); coding-DNA position 1300, one base deleted (C; older notation c.1300delC).
Protein change: p.Arg434fs; shifts the reading frame from arginine 434.
Molecular consequence: frameshift variant.
Genome position (GRCh38, 1-based): chr14:77,286,776, G deleted on the plus strand (C on the coding strand, the reverse complement: POMT2 is on the minus strand); the first of 3 consecutive G bases (chr14:77,286,776-77,286,778); deleting any one gives the same sequence. VCF-style (leftmost placement, unchanged base first): chr14-77286775-CG-C. GRCh37 (hg19) VCF-style: chr14-77753118-CG-C.
Other names: short protein forms R434fs.
Identifiers: ClinVar variation 1416054 (VCV001416054.6), dbSNP rs2140188352, ClinGen allele CA2573150244.